The following is an entry in ClinVar:

ClinVar aggregate classification (germline): Uncertain significance (1 of 4 stars; one submission).

Conditions:
Corticosterone 18-monooxygenase deficiency. Also called: ALDOSTERONE DEFICIENCY DUE TO DEFECT IN STEROID 18-HYDROXYLASE; ALDOSTERONE DEFICIENCY I; CMO I DEFICIENCY; STEROID 18-HYDROXYLASE DEFICIENCY; 18 Hydroxylase deficiency; Aldosterone deficiency due to defect in 18 hydroxylase. Identifiers: Orphanet 427, MedGen C0268293, MONDO:0008751, OMIM 203400. Disease mechanism: loss of function.

Submission:

Clinical Biochemistry Laboratory, Health Services Laboratory
Classification: Uncertain significance for Corticosterone 18-monooxygenase deficiency. Last evaluated: 2023-11-20. Review status: criteria provided, single submitter. Criteria: ACMG Guidelines, 2015. Collection method: clinical testing. Allele origin: germline. Affected: yes.
Comment: Raised corticosterone, decreased aldosterone. ACMG:PM2 PP4

NM_000498.3(CYP11B2):c.874G>A (p.Glu292Lys)

Genes: CYP11B2 (cytochrome P450 family 11 subfamily B member 2; minus strand), LOC106799834 (CYP11B2 recombination region; plus strand). Cytogenetic location: 8q24.3.
Variant type: single nucleotide variant.
Coding change: c.874G>A on transcript NM_000498.3 (MANE Select); coding-DNA position 874, G replaced by A.
Protein change: p.Glu292Lys; replaces glutamic acid 292 with lysine.
Molecular consequence: missense variant.
Genome position (GRCh38, 1-based): chr8:142,914,344, C>T on the plus strand (G>A on the coding strand, the complement: CYP11B2 is on the minus strand). VCF-style: chr8-142914344-C-T. GRCh37 (hg19) VCF-style: chr8-143995760-C-T.
Other names: short protein forms E292K.
Identifiers: ClinVar variation 2674687 (VCV002674687.1), dbSNP rs748016219, ClinGen allele CA4906045.